The following is an entry in ClinVar:

ClinVar aggregate classification (germline): Likely pathogenic (1 of 4 stars; one submission).

Conditions:
Cataract 38. Also called: Cataract, autosomal recessive congenital 5; Cataract 38, autosomal recessive. Identifiers: Orphanet 91492, MedGen C3553494, MONDO:0013859, OMIM 614691.
Sengers syndrome. Also called: MITOCHONDRIAL DNA DEPLETION SYNDROME 10 (CARDIOMYOPATHIC TYPE); Cardiomyopathy and cataract. Identifiers: Orphanet 1369, MedGen C1859317, MONDO:0008922, OMIM 212350.

gnomAD v4.1: 1 of 1,613,264 alleles (0.000062%); highest among the groups gnomAD compares: South Asian, 0.0011%; no homozygotes.

Submission:

First Genomix Gene Laboratory, Genetic Diagnostics Department
Classification: Likely pathogenic for Cataract 38; Sengers syndrome. Last evaluated: 2025-07-10. Review status: criteria provided, single submitter. Criteria: ACMG Guidelines, 2015. Collection method: clinical testing. Allele origin: germline. Inheritance: Autosomal recessive inheritance. Affected: no. Observed: 1 variant allele.

NM_018238.4(AGK):c.982G>T (p.Glu328Ter)

Gene: AGK (acylglycerol kinase; plus strand). Cytogenetic location: 7q34.
Variant type: single nucleotide variant.
Coding change: c.982G>T on transcript NM_018238.4 (MANE Select); coding-DNA position 982, G replaced by T.
Protein change: p.Glu328Ter; replaces glutamic acid 328 with a stop codon.
Molecular consequence: nonsense.
Genome position (GRCh38, 1-based): chr7:141,649,269, G>T. VCF-style: chr7-141649269-G-T. GRCh37 (hg19) VCF-style: chr7-141349069-G-T.
Other names: c.982G>T, p.Glu328Ter (NM_001364948.3); short protein forms E328*.
Identifiers: ClinVar variation 4849346 (VCV004849346.1).